The following is an entry in ClinVar:

ClinVar aggregate classification (germline): Uncertain significance (1 of 4 stars; one submission).

Allele frequency attached by ClinVar (database versions not stated): gnomAD 0.00005; gnomAD exomes 0.00005; ExAC 0.00012; 1000 Genomes Project 0.00080; 1000 Genomes Project 30x 0.00109.
gnomAD v4.1: 75 of 1,613,980 alleles (0.0046%); highest among the groups gnomAD compares: South Asian, 0.06%; 2 homozygotes.

Submission:

Labcorp Genetics (formerly Invitae), Labcorp
Classification: Uncertain significance. Last evaluated: 2026-01-08. Review status: criteria provided, single submitter. Criteria: Invitae Variant Classification Sherloc (09022015). Collection method: clinical testing. Allele origin: germline.
Comment: This sequence change replaces valine, which is neutral and non-polar, with methionine, which is neutral and non-polar, at codon 159 of the IL23R protein (p.Val159Met). This variant is present in population databases (rs555691349, gnomAD 0.06%), and has an allele count higher than expected for a pathogenic variant. This variant has not been reported in the literature in individuals affected with IL23R-related conditions. ClinVar contains an entry for this variant (Variation ID: 2180489). An algorithm developed to predict the effect of missense changes on protein structure and function (PolyPhen-2) suggests that this variant is likely to be disruptive. Experimental studies have shown that this missense change does not substantially affect IL23R function (PMID: 30578351). In summary, the available evidence is currently insufficient to determine the role of this variant in disease. Therefore, it has been classified as a Variant of Uncertain Significance.

Literature cited by the submitters: PubMed 30578351.

NM_144701.3(IL23R):c.475G>A (p.Val159Met)

Gene: IL23R (interleukin 23 receptor; plus strand). Cytogenetic location: 1p31.3.
Variant type: single nucleotide variant.
Coding change: c.475G>A on transcript NM_144701.3 (MANE Select); coding-DNA position 475, G replaced by A.
Protein change: p.Val159Met; replaces valine 159 with methionine.
Molecular consequence: missense variant.
Genome position (GRCh38, 1-based): chr1:67,182,943, G>A. VCF-style: chr1-67182943-G-A. GRCh37 (hg19) VCF-style: chr1-67648626-G-A.
Other names: short protein forms V159M.
Identifiers: ClinVar variation 2180489 (VCV002180489.4), dbSNP rs555691349, ClinGen allele CA899717.